The following is an entry in ClinVar:

NC_000009.11:g.(?_119380583)_(119495822_?)del

Genes: ASTN2 (astrotactin 2; minus strand), TRIM32 (tripartite motif containing 32; plus strand). Cytogenetic location: 9q33.1.
Variant type: Deletion.
Identifiers: ClinVar variation 1069572 (VCV001069572.2).

ClinVar aggregate classification (germline): Pathogenic (1 of 4 stars; one submission).

Conditions:
Bardet-Biedl syndrome (BBS). Identifiers: Orphanet 110, MedGen C0752166, MONDO:0015229.

Submission:

Labcorp Genetics (formerly Invitae), Labcorp
Classification: Pathogenic for Bardet-Biedl syndrome. Last evaluated: 2022-10-31. Review status: criteria provided, single submitter. Criteria: Invitae Variant Classification Sherloc (09022015). Collection method: clinical testing. Allele origin: germline.
Comment: A gross deletion of the genomic region encompassing the full coding sequence of the TRIM32 gene has been identified. Loss-of-function variants in TRIM32 are known to be pathogenic (PMID: 23541687). The boundaries of this event are unknown as they extend beyond the assayed region for this gene and therefore may encompass additional genes. A similar copy number variant has been observed in individuals with limb girdle muscular dystrophy (PMID: 23541687, 25351777; Invitae). For these reasons, this variant has been classified as Pathogenic.

Literature cited by the submitters: PubMed 23541687; PubMed 25351777.